The following is an entry in ClinVar:

ClinVar aggregate classification (germline): Pathogenic (1 of 4 stars; one submission).

Submission:

GeneDx
Classification: Pathogenic. Last evaluated: 2017-05-30. Review status: criteria provided, single submitter. Criteria: GeneDx Variant Classification (06012015). Collection method: clinical testing. Allele origin: germline. Affected: yes.
Comment: The Q837X variant in the KIF7 gene has not been reported previously as a pathogenic variant nor as a benign variant, to our knowledge. This variant is predicted to cause loss of normal protein function either through protein truncation or nonsense-mediated mRNA decay. The Q837X variant is not observed in large population cohorts (Lek et al., 2016; 1000 Genomes Consortium et al., 2015; Exome Variant Server). We interpret Q837X as a pathogenic variant.

NM_198525.3(KIF7):c.2509C>T (p.Gln837Ter)

Gene: KIF7 (kinesin family member 7; minus strand). Cytogenetic location: 15q26.1.
Variant type: single nucleotide variant.
Coding change: c.2509C>T on transcript NM_198525.3 (MANE Select); coding-DNA position 2509, C replaced by T.
Protein change: p.Gln837Ter; replaces glutamine 837 with a stop codon.
Molecular consequence: nonsense.
Genome position (GRCh38, 1-based): chr15:89,633,769, G>A on the plus strand (C>T on the coding strand, the complement: KIF7 is on the minus strand). VCF-style: chr15-89633769-G-A. GRCh37 (hg19) VCF-style: chr15-90177000-G-A.
Other names: short protein forms Q837*.
Identifiers: ClinVar variation 430427 (VCV000430427.2), dbSNP rs1131691958, ClinGen allele CA393759755.